The following is an entry in ClinVar:

NM_002485.5(NBN):c.269C>T (p.Thr90Ile)

Gene: NBN (nibrin; minus strand). Cytogenetic location: 8q21.3.
Variant type: single nucleotide variant.
Coding change: c.269C>T on transcript NM_002485.5 (MANE Select); coding-DNA position 269, C replaced by T.
Protein change: p.Thr90Ile; replaces threonine 90 with isoleucine.
Molecular consequence: missense variant.
Genome position (GRCh38, 1-based): chr8:89,981,426, G>A on the plus strand (C>T on the coding strand, the complement: NBN is on the minus strand). VCF-style: chr8-89981426-G-A. GRCh37 (hg19) VCF-style: chr8-90993654-G-A.
Other names: c.23C>T, p.Thr8Ile (NM_001024688.3); short protein forms T8I, T90I.
Identifiers: ClinVar variation 1026602 (VCV001026602.8), dbSNP rs1812059152, ClinGen allele CA371662439.

ClinVar aggregate classification (germline): Uncertain significance (1 of 4 stars; one submission).

Conditions:
Microcephaly, normal intelligence and immunodeficiency (NBS). Also called: BERLIN BREAKAGE SYNDROME; Immunodeficiency, microcephaly with normal intelligence; Nijmegen breakage syndrome; Microcephaly with normal intelligence immunodeficiency and lymphoreticular malignancies; Nonsyndromal microcephaly autosomal recessive with normal intelligence; Seemanova syndrome 2. Identifiers: Orphanet 647, MedGen C0398791, MONDO:0009623, OMIM 251260.

Submission:

Labcorp Genetics (formerly Invitae), Labcorp
Classification: Uncertain significance for Microcephaly, normal intelligence and immunodeficiency. Last evaluated: 2021-08-19. Review status: criteria provided, single submitter. Criteria: Invitae Variant Classification Sherloc (09022015). Collection method: clinical testing. Allele origin: germline.
Comment: In summary, the available evidence is currently insufficient to determine the role of this variant in disease. Therefore, it has been classified as a Variant of Uncertain Significance. Algorithms developed to predict the effect of missense changes on protein structure and function output the following: SIFT: "Tolerated"; PolyPhen-2: "Benign"; Align-GVGD: "Class C0". The isoleucine amino acid residue is found in multiple mammalian species, suggesting that this missense change does not adversely affect protein function. These predictions have not been confirmed by published functional studies and their clinical significance is uncertain. This variant has not been reported in the literature in individuals with NBN-related conditions. This variant is not present in population databases (ExAC no frequency). This sequence change replaces threonine with isoleucine at codon 90 of the NBN protein (p.Thr90Ile). The threonine residue is weakly conserved and there is a moderate physicochemical difference between threonine and isoleucine.